The following is an entry in ClinVar:

NM_001166108.2(PALLD):c.421G>A (p.Glu141Lys)

Gene: PALLD (palladin, cytoskeletal associated protein; plus strand). Cytogenetic location: 4q32.3.
Variant type: single nucleotide variant.
Coding change: c.421G>A on transcript NM_001166108.2 (MANE Select); coding-DNA position 421, G replaced by A.
Protein change: p.Glu141Lys; replaces glutamic acid 141 with lysine.
Molecular consequence: missense variant.
Genome position (GRCh38, 1-based): chr4:168,511,925, G>A. VCF-style: chr4-168511925-G-A. GRCh37 (hg19) VCF-style: chr4-169433076-G-A.
Other names: c.421G>A, p.Glu141Lys (NM_016081.4); short protein forms E141K.
Identifiers: ClinVar variation 2448512 (VCV002448512.2), dbSNP rs1412102338, ClinGen allele CA358725954.

ClinVar aggregate classification (germline): Uncertain significance (1 of 4 stars; one submission).

Allele frequency attached by ClinVar (database versions not stated): gnomAD exomes below 0.00001; gnomAD 0.00001.
gnomAD v4.1: 7 of 1,614,106 alleles (0.00043%); highest among the groups gnomAD compares: South Asian, 0.0055%; 1 homozygote.

Submission:

Ambry Genetics
Classification: Uncertain significance. Last evaluated: 2023-03-02. Review status: criteria provided, single submitter. Criteria: Ambry Variant Classification Scheme 2023. Collection method: clinical testing. Allele origin: germline.
Comment: The p.E141K variant (also known as c.421G>A), located in coding exon 1 of the PALLD gene, results from a G to A substitution at nucleotide position 421. The glutamic acid at codon 141 is replaced by lysine, an amino acid with similar properties. This amino acid position is conserved. In addition, this alteration is predicted to be tolerated by in silico analysis. Since supporting evidence is limited at this time, the clinical significance of this alteration remains unclear.